The following is an entry in ClinVar:

ClinVar aggregate classification (germline): Likely benign. Review status: criteria provided, multiple submitters, no conflicts (2 of 4 stars). 4 submissions from 4 submitters: Likely benign (3). 1 of the submissions does not count toward it. Last evaluated 2025-12-28.

Conditions:
ALK-related disorder. Also called: ALK-related condition.
Hereditary cancer-predisposing syndrome. Also called: Neoplastic Syndromes, Hereditary; Tumor predisposition; Hereditary neoplastic syndrome; Hereditary Cancer Syndrome. Identifiers: Orphanet 140162, MedGen C0027672, MeSH D009386, MONDO:0015356.
Neuroblastoma, susceptibility to, 3. Also called: ALK-Related Neuroblastic Tumor Susceptibility. Identifiers: Orphanet 635, MedGen C2751681, MONDO:0013083, OMIM 613014.

Allele frequency attached by ClinVar (database versions not stated): ExAC below 0.00001; gnomAD exomes 0.00003; gnomAD 0.00004; TOPMed 0.00006.
gnomAD v4.1: 46 of 1,553,920 alleles (0.003%); highest among the groups gnomAD compares: African/African-American, 0.0082%; no homozygotes.

Submissions (4):

Labcorp Genetics (formerly Invitae), Labcorp
Classification: Likely benign for Neuroblastoma, susceptibility to, 3. Last evaluated: 2025-12-28. Review status: criteria provided, single submitter. Criteria: Invitae Variant Classification Sherloc (09022015). Collection method: clinical testing. Allele origin: germline.

Ambry Genetics
Classification: Likely benign for Hereditary cancer-predisposing syndrome. Last evaluated: 2022-03-20. Review status: criteria provided, single submitter. Criteria: Ambry Variant Classification Scheme 2023. Collection method: clinical testing. Allele origin: germline.

Breakthrough Genomics
Classification: Likely benign. Review status: criteria provided, single submitter. Criteria: ACMG Guidelines, 2015. Collection method: not provided. Allele origin: germline. Inheritance: Unknown mechanism. Affected: yes.

PreventionGenetics, part of Exact Sciences
Classification: Likely benign for ALK-related condition. Last evaluated: 2020-01-23. Review status: no assertion criteria provided. Collection method: clinical testing. Allele origin: germline. Not counted in ClinVar's aggregate classification.
Comment: This variant is classified as likely benign based on ACMG/AMP sequence variant interpretation guidelines (Richards et al. 2015 PMID: 25741868, with internal and published modifications).

NM_004304.5(ALK):c.336C>G (p.Ala112=)

Gene: ALK (ALK receptor tyrosine kinase; minus strand). Cytogenetic location: 2p23.1.
Variant type: single nucleotide variant.
Coding change: c.336C>G on transcript NM_004304.5 (MANE Select); coding-DNA position 336, C replaced by G.
Protein change: p.Ala112=; no amino-acid change (alanine 112 retained).
Molecular consequence: synonymous variant.
Genome position (GRCh38, 1-based): chr2:29,920,324, G>C on the plus strand (C>G on the coding strand, the complement: ALK is on the minus strand). VCF-style: chr2-29920324-G-C. GRCh37 (hg19) VCF-style: chr2-30143190-G-C.
Identifiers: ClinVar variation 239822 (VCV000239822.17), dbSNP rs776604754, ClinGen allele CA1594999.
Genomic context (GRCh38, chr2:29,920,324, plus strand): 5'-CACGGAGCCGCCCTTCAGCACCCTGGACAGCGTCCGGGCCTCTGCCGGGGCTGGTGAACC[G>C]GCGGTCCAGGAGACCCCCGGCGCCGGCCCCAGCAACCTGAGCAGCGGGGCGCAGTCCAGA-3'
Protein context (NP_004295.2, residues 102-122): LGPAPGVSWT[Ala112=]GSPAPAEART